The following is an entry in ClinVar:

NM_022051.3(EGLN1):c.530G>A (p.Gly177Asp)

Gene: EGLN1 (egl-9 family hypoxia inducible factor 1; minus strand). Cytogenetic location: 1q42.2.
Variant type: single nucleotide variant.
Coding change: c.530G>A on transcript NM_022051.3 (MANE Select); coding-DNA position 530, G replaced by A.
Protein change: p.Gly177Asp; replaces glycine 177 with aspartic acid.
Molecular consequence: missense variant.
Genome position (GRCh38, 1-based): chr1:231,421,359, C>T on the plus strand (G>A on the coding strand, the complement: EGLN1 is on the minus strand). VCF-style: chr1-231421359-C-T. GRCh37 (hg19) VCF-style: chr1-231557105-C-T.
Other names: c.530G>A, p.Gly177Asp (NM_001377260.1, NM_001377261.1); short protein forms G177D.
Identifiers: ClinVar variation 1746755 (VCV001746755.5), dbSNP rs1157366692, ClinGen allele CA345236723.

ClinVar aggregate classification (germline): Uncertain significance. Review status: criteria provided, multiple submitters, no conflicts (2 of 4 stars). 2 submissions from 2 submitters: Uncertain significance (2). Last evaluated 2023-11-13.

Conditions:
Erythrocytosis, familial, 3 (ECYT3). Identifiers: Orphanet 247511, MedGen C1853286, MONDO:0012353, OMIM 609820.

Allele frequency attached by ClinVar (database versions not stated): gnomAD exomes below 0.00001.
gnomAD v4.1: 1 of 1,609,766 alleles (0.000062%); highest among the groups gnomAD compares: Non-Finnish European, 0.000085%; no homozygotes.

Submissions (2):

Labcorp Genetics (formerly Invitae), Labcorp
Classification: Uncertain significance for Erythrocytosis, familial, 3. Last evaluated: 2023-11-13. Review status: criteria provided, single submitter. Criteria: Invitae Variant Classification Sherloc (09022015). Collection method: clinical testing. Allele origin: germline.
Comment: This sequence change replaces glycine, which is neutral and non-polar, with aspartic acid, which is acidic and polar, at codon 177 of the EGLN1 protein (p.Gly177Asp). This variant is not present in population databases (gnomAD no frequency). This variant has not been reported in the literature in individuals affected with EGLN1-related conditions. ClinVar contains an entry for this variant (Variation ID: 1746755). An algorithm developed to predict the effect of missense changes on protein structure and function (PolyPhen-2) suggests that this variant is likely to be tolerated. In summary, the available evidence is currently insufficient to determine the role of this variant in disease. Therefore, it has been classified as a Variant of Uncertain Significance.

Ambry Genetics
Classification: Uncertain significance. Last evaluated: 2023-10-05. Review status: criteria provided, single submitter. Criteria: Ambry Variant Classification Scheme 2023. Collection method: clinical testing. Allele origin: germline.